The following is an entry in ClinVar:

ClinVar aggregate classification (germline): Likely benign (1 of 4 stars; one submission).

gnomAD v4.1: 18 of 1,548,328 alleles (0.0012%); highest among the groups gnomAD compares: South Asian, 0.0048%; no homozygotes.

Submission:

CeGaT Center for Human Genetics Tuebingen
Classification: Likely benign. Last evaluated: 2025-12-01. Review status: criteria provided, single submitter. Criteria: CeGaT Center For Human Genetics Tuebingen Variant Classification Criteria Version 2. Collection method: clinical testing. Allele origin: germline. Affected: yes. Observed: 1 variant allele.
Comment: PITRM1: BP4, BP7

NM_014889.4(PITRM1):c.2343A>G (p.Ser781=)

Genes: PITRM1 (pitrilysin metallopeptidase 1; minus strand), PITRM1-AS1 (PITRM1 antisense RNA 1; plus strand). Cytogenetic location: 10p15.2.
Variant type: single nucleotide variant.
Coding change: c.2343A>G on transcript NM_014889.4 (MANE Select); coding-DNA position 2343, A replaced by G.
Protein change: p.Ser781=; no amino-acid change (serine 781 retained).
Molecular consequence: synonymous variant. On other transcripts: non-coding transcript variant (5).
Genome position (GRCh38, 1-based): chr10:3,145,710, T>C on the plus strand (A>G on the coding strand, the complement: PITRM1 is on the minus strand). VCF-style: chr10-3145710-T-C. GRCh37 (hg19) VCF-style: chr10-3187902-T-C.
Other names: c.2346A>G, p.Ser782= (NM_001242307.2); c.2049A>G, p.Ser683= (NM_001242309.1); c.2145A>G, p.Ser715= (NM_001347725.2); c.1530A>G, p.Ser510= (NM_001347726.2); c.1728A>G, p.Ser576= (NM_001347727.2); c.1038A>G, p.Ser346= (NM_001347728.2); c.2319A>G, p.Ser773= (NM_001347729.1); c.2121A>G, p.Ser707= (NM_001347730.1).
Identifiers: ClinVar variation 4681744 (VCV004681744.5).